The following is an entry in ClinVar:

ClinVar aggregate classification (germline): Pathogenic/Likely pathogenic. Review status: criteria provided, multiple submitters, no conflicts (2 of 4 stars). 4 submissions from 4 submitters: Pathogenic (3); Likely pathogenic (1). Last evaluated 2023-08-27.

Conditions:
Autosomal recessive limb-girdle muscular dystrophy type 2L (LGMDR12). Also called: Limb-girdle muscular dystrophy, type 2L; MUSCULAR DYSTROPHY, LIMB-GIRDLE, AUTOSOMAL RECESSIVE 12; Limb-Girdle Muscular Dystrophy R12 Anoctamin-5-Related (LGMD-R12). Identifiers: Orphanet 206549, MedGen C1969785, MONDO:0012652, OMIM 611307.
Gnathodiaphyseal dysplasia (GDD). Also called: GNATHODIAPHYSEAL SCLEROSIS; OSTEOGENESIS IMPERFECTA WITH UNUSUAL SKELETAL LESIONS. Identifiers: Orphanet 53697, MedGen C1833736, MONDO:0008151, OMIM 166260.

Allele frequency attached by ClinVar (database versions not stated): TOPMed below 0.00001.

Submissions (4):

Labcorp Genetics (formerly Invitae), Labcorp
Classification: Likely pathogenic for Autosomal recessive limb-girdle muscular dystrophy type 2L; Gnathodiaphyseal dysplasia. Last evaluated: 2023-08-27. Review status: criteria provided, single submitter. Criteria: Invitae Variant Classification Sherloc (09022015). Collection method: clinical testing. Allele origin: germline.
Comment: This sequence change affects a splice site in intron 15 of the ANO5 gene. It is expected to disrupt RNA splicing. Variants that disrupt the donor or acceptor splice site typically lead to a loss of protein function (PMID: 16199547), and loss-of-function variants in ANO5 are known to be pathogenic (PMID: 21186264, 23606453, 25891276, 30919934). This variant is not present in population databases (gnomAD no frequency). This variant has not been reported in the literature in individuals affected with ANO5-related conditions. ClinVar contains an entry for this variant (Variation ID: 286167). Algorithms developed to predict the effect of sequence changes on RNA splicing suggest that this variant may disrupt the consensus splice site. In summary, the currently available evidence indicates that the variant is pathogenic, but additional data are needed to prove that conclusively. Therefore, this variant has been classified as Likely Pathogenic.

CeGaT Center for Human Genetics Tuebingen
Classification: Pathogenic. Last evaluated: 2019-08-01. Review status: criteria provided, single submitter. Criteria: CeGaT Center For Human Genetics Tuebingen Variant Classification Criteria Version 2. Collection method: clinical testing. Allele origin: germline. Affected: yes. Observed: 2 variant alleles.

Eurofins Ntd Llc (ga)
Classification: Pathogenic. Last evaluated: 2016-03-04. Review status: criteria provided, single submitter. Criteria: EGL Classification Definitions 2015. Collection method: clinical testing. Allele origin: germline. Observed: 1 variant allele, 1 heterozygote.

GeneDx
Classification: Pathogenic. Last evaluated: 2015-04-10. Review status: criteria provided, single submitter. Criteria: GeneDx Variant Classification (06012015). Collection method: clinical testing. Allele origin: germline. Affected: yes.
Comment: The c.1631-12_1631-2del11 splice site variant in the ANO5 gene destroys the canonical splice acceptor sitein intron 15. It is predicted to cause abnormal gene splicing, either leading to an abnormal message that issubject to nonsense-mediated mRNA decay, or to an abnormal protein product if the message is used forprotein translation. It was not observed in approximately 6,500 individuals of European and African Americanancestry in the NHLBI Exome Sequencing Project, indicating it is not a common benign variant in thesepopulations. Although this variant has not been previously reported to our knowledge, a nearby splice sitevariant (c.1631-3C>G) in the ANO5 gene has been reported in association with muscular dystrophy(Stenson et al., 2014). We interpret c.1631-12_1631-2del11 as a pathogenic variant.

Literature cited by the submitters: PubMed 16199547 (cited by Labcorp Genetics (formerly Invitae), Labcorp); PubMed 21186264 (cited by Labcorp Genetics (formerly Invitae), Labcorp); PubMed 23606453 (cited by Labcorp Genetics (formerly Invitae), Labcorp); PubMed 25891276 (cited by Labcorp Genetics (formerly Invitae), Labcorp); PubMed 30919934 (cited by Labcorp Genetics (formerly Invitae), Labcorp).

NM_213599.3(ANO5):c.1631-12_1631-2del

Gene: ANO5 (anoctamin 5; plus strand). Cytogenetic location: 11p14.3.
Variant type: Deletion.
Coding change: c.1631-12_1631-2del on transcript NM_213599.3 (MANE Select); 12 bases into the intron before coding-DNA position 1631 through the canonical splice acceptor site of the intron before coding-DNA position 1631, 11 bases deleted (TTAACTTAACA).
Molecular consequence: splice acceptor variant.
Genome position (GRCh38, 1-based): chr11:22,262,117-22,262,127, TTAACTTAACA deleted. VCF-style (leftmost placement, unchanged base first): chr11-22262116-TTTAACTTAACA-T. GRCh37 (hg19) VCF-style: chr11-22283662-TTTAACTTAACA-T.
Other names: c.1631-12_1631-2delTTAACTTAACA (NM_213599.2); c.1628-12_1628-2del (NM_001142649.2).
Identifiers: ClinVar variation 286167 (VCV000286167.51), dbSNP rs886043327, ClinGen allele CA10605384.